The following is an entry in ClinVar:

ClinVar aggregate classification (germline): Uncertain significance (1 of 4 stars; one submission).

gnomAD v4.1: 1 of 1,612,552 alleles (0.000062%); highest among the groups gnomAD compares: South Asian, 0.0011%; no homozygotes.

Submission:

Ambry Genetics
Classification: Uncertain significance. Last evaluated: 2025-11-15. Review status: criteria provided, single submitter. Criteria: Ambry Variant Classification Scheme 2023. Collection method: clinical testing. Allele origin: germline.
Comment: The p.N316K variant (also known as c.948T>A), located in coding exon 4 of the PALLD gene, results from a T to A substitution at nucleotide position 948. The asparagine at codon 316 is replaced by lysine, an amino acid with similar properties. This amino acid position is conserved. In addition, this alteration is predicted to be tolerated by in silico analysis. Based on the available evidence, the clinical significance of this variant remains unclear.

NM_001166108.2(PALLD):c.2460T>A (p.Asn820Lys)

Genes: CBR4 (carbonyl reductase 4; minus strand), PALLD (palladin, cytoskeletal associated protein; plus strand). Cytogenetic location: 4q32.3.
Variant type: single nucleotide variant.
Coding change: c.2460T>A on transcript NM_001166108.2 (MANE Select); coding-DNA position 2460, T replaced by A.
Protein change: p.Asn820Lys; replaces asparagine 820 with lysine.
Molecular consequence: missense variant.
Genome position (GRCh38, 1-based): chr4:168,898,702, T>A. VCF-style: chr4-168898702-T-A. GRCh37 (hg19) VCF-style: chr4-169819853-T-A.
Other names: c.1263T>A, p.Asn421Lys (NM_001166109.2); c.948T>A, p.Asn316Lys (NM_001166110.2); c.288T>A, p.Asn96Lys (NM_001367567.1, NM_001367569.1); c.339T>A, p.Asn113Lys (NM_001367568.1, NM_001367570.1); c.2409T>A, p.Asn803Lys (NM_016081.4); short protein forms N316K, N820K, N421K, N803K, N113K, N96K.
Identifiers: ClinVar variation 4564180 (VCV004564180.1).